The following is an entry in ClinVar:

NM_001042681.2(RERE):c.4591G>T (p.Ala1531Ser)

Gene: RERE (arginine-glutamic acid dipeptide repeats; minus strand). Cytogenetic location: 1p36.23.
Variant type: single nucleotide variant.
Coding change: c.4591G>T on transcript NM_001042681.2 (MANE Select); coding-DNA position 4591, G replaced by T.
Protein change: p.Ala1531Ser; replaces alanine 1531 with serine.
Molecular consequence: missense variant.
Genome position (GRCh38, 1-based): chr1:8,355,495, C>A on the plus strand (G>T on the coding strand, the complement: RERE is on the minus strand). VCF-style: chr1-8355495-C-A. GRCh37 (hg19) VCF-style: chr1-8415555-C-A.
Other names: c.2929G>T, p.Ala977Ser (NM_001042682.2); c.4591G>T, p.Ala1531Ser (NM_012102.4); short protein forms A1531S, A977S.
Identifiers: ClinVar variation 2620246 (VCV002620246.4), dbSNP rs762564525, ClinGen allele CA570737.
Genomic context (GRCh38, chr1:8,355,495, plus strand): 5'-GACTTGGTAGGTGGCCACCATGCATGTGGGGGTGTCCATGCAGCCACTGCTGCTCCATGG[C>A]CAGTCTCTGCAGCTCGGCCGACTGGGCATGCATGGCCTGCAGCTGGTGGGCTGCTGACAT-3'
Protein context (NP_001036146.1, residues 1521-1541): HAQSAELQRL[Ala1531Ser]MEQQWLHGHP

ClinVar aggregate classification (germline): Uncertain significance. Review status: criteria provided, single submitter (1 of 4 stars). 2 submissions from 2 submitters: Uncertain significance (1). 1 of the submissions does not count toward it. Last evaluated 2023-08-21.

Conditions:
RERE-related disorder. Also called: RERE-Related Disorders; RERE-related condition. Identifiers: MedGen CN381537.
Inborn genetic diseases. Identifiers: MedGen C0950123, MeSH D030342.

Allele frequency attached by ClinVar (database versions not stated): TOPMed below 0.00001; ExAC 0.00001; gnomAD exomes 0.00002.
gnomAD v4.1: 24 of 1,612,732 alleles (0.0015%); highest among the groups gnomAD compares: Non-Finnish European, 0.0018%; no homozygotes.

Submissions (2):

Ambry Genetics
Classification: Uncertain significance for Inborn genetic diseases. Last evaluated: 2023-08-21. Review status: criteria provided, single submitter. Criteria: Ambry Variant Classification Scheme 2023. Collection method: clinical testing. Allele origin: germline.

PreventionGenetics, part of Exact Sciences
Classification: Uncertain significance for RERE-related condition. Last evaluated: 2024-02-13. Review status: no assertion criteria provided. Collection method: clinical testing. Allele origin: germline. Not counted in ClinVar's aggregate classification.
Comment: The RERE c.4591G>T variant is predicted to result in the amino acid substitution p.Ala1531Ser. To our knowledge, this variant has not been reported in the literature. This variant is reported in 0.0019% of alleles in individuals of European (Non-Finnish) descent in gnomAD. At this time, the clinical significance of this variant is uncertain due to the absence of conclusive functional and genetic evidence.